The following is an entry in ClinVar:

NM_001164508.2(NEB):c.21207+6T>C

Gene: NEB (nebulin; minus strand). Cytogenetic location: 2q23.3.
Variant type: single nucleotide variant.
Coding change: c.21207+6T>C on transcript NM_001164508.2 (MANE Select); 6 bases into the intron after coding-DNA position 21207, T replaced by C.
Molecular consequence: intron variant.
Genome position (GRCh38, 1-based): chr2:151,537,126, A>G on the plus strand (T>C on the coding strand, the complement: NEB is on the minus strand). VCF-style: chr2-151537126-A-G. GRCh37 (hg19) VCF-style: chr2-152393640-A-G.
Other names: c.16104+6T>C (NM_004543.5); c.21207+6T>C (NM_001164507.2, NM_001271208.2).
Identifiers: ClinVar variation 2076795 (VCV002076795.1), dbSNP rs1163183058, ClinGen allele CA536640046.

ClinVar aggregate classification (germline): Uncertain significance (1 of 4 stars; one submission).

Conditions:
Nemaline myopathy 2 (NEM2). Also called: Nemaline myopathy 2, autosomal recessive. Identifiers: MedGen C1850569, MONDO:0009725, OMIM 256030.

Allele frequency attached by ClinVar (database versions not stated): gnomAD exomes below 0.00001; TOPMed below 0.00001.
gnomAD v4.1: 6 of 1,583,032 alleles (0.00038%); highest among the groups gnomAD compares: Non-Finnish European, 0.00052%; no homozygotes.

Submission:

Labcorp Genetics (formerly Invitae), Labcorp
Classification: Uncertain significance for Nemaline myopathy 2. Last evaluated: 2022-07-23. Review status: criteria provided, single submitter. Criteria: Invitae Variant Classification Sherloc (09022015). Collection method: clinical testing. Allele origin: germline.
Comment: This sequence change falls in intron 141 of the NEB gene. It does not directly change the encoded amino acid sequence of the NEB protein. It affects a nucleotide within the consensus splice site. This variant is present in population databases (no rsID available, gnomAD 0.003%). This variant has not been reported in the literature in individuals affected with NEB-related conditions. Variants that disrupt the consensus splice site are a relatively common cause of aberrant splicing (PMID: 17576681, 9536098). Experimental studies and prediction algorithms are not available or were not evaluated, and the effect of this variant on mRNA splicing is currently unknown. In summary, the available evidence is currently insufficient to determine the role of this variant in disease. Therefore, it has been classified as a Variant of Uncertain Significance.

Literature cited by the submitters: PubMed 17576681; PubMed 9536098.